The following is an entry in ClinVar:

NM_001174089.2(SLC4A11):c.291+1G>T

Gene: SLC4A11 (solute carrier family 4 member 11; minus strand). Cytogenetic location: 20p13.
Variant type: single nucleotide variant.
Coding change: c.291+1G>T on transcript NM_001174089.2 (MANE Select); the canonical splice donor site of the intron after coding-DNA position 291, G replaced by T.
Molecular consequence: splice donor variant.
Genome position (GRCh38, 1-based): chr20:3,234,567, C>A on the plus strand (G>T on the coding strand, the complement: SLC4A11 is on the minus strand). VCF-style: chr20-3234567-C-A. GRCh37 (hg19) VCF-style: chr20-3215213-C-A.
Other names: c.234+1G>T (NM_001400277.1, NM_001400278.1, NM_001400279.1); c.291+1G>T (NM_001363745.2); c.420+1G>T (NM_001400280.1, NM_001174090.2); c.339+1G>T (NM_032034.4, NM_032034.3).
Identifiers: ClinVar variation 1466008 (VCV001466008.7), dbSNP rs750656470, ClinGen allele CA408095633.

ClinVar aggregate classification (germline): Likely pathogenic. Review status: criteria provided, multiple submitters, no conflicts (2 of 4 stars). 2 submissions from 2 submitters: Likely pathogenic (2). Last evaluated 2024-02-26.

Conditions:
Corneal dystrophy, Fuchs endothelial, 4 (FECD4). Identifiers: Orphanet 98974, MedGen C2750450, MONDO:0013204, OMIM 613268.
Corneal dystrophy-perceptive deafness syndrome (CDPD). Also called: CORNEAL DYSTROPHY AND SENSORINEURAL DEAFNESS; HARBOYAN SYNDROME. Identifiers: Orphanet 1490, MedGen C1857572, MONDO:0009015, OMIM 217400.
Congenital hereditary endothelial dystrophy of cornea. Also called: CORNEAL DYSTROPHY, CONGENITAL HEREDITARY ENDOTHELIAL; Corneal endothelial dystrophy, autosomal recessive; Congenital hereditary endothelial dystrophy of the cornea; Maumenee corneal dystrophy; Congenital hereditary endothelial dystrophy type II. Identifiers: Orphanet 293603, MedGen C1857569, MONDO:0009019, OMIM 217700.

gnomAD v4.1: 1 of 1,613,840 alleles (0.000062%); highest among the groups gnomAD compares: East Asian, 0.0022%; no homozygotes.

Submissions (2):

Fulgent Genetics
Classification: Likely pathogenic for Corneal dystrophy-perceptive deafness syndrome; Congenital hereditary endothelial dystrophy of cornea; Corneal dystrophy, Fuchs endothelial, 4. Last evaluated: 2024-02-26. Review status: criteria provided, single submitter. Criteria: ACMG Guidelines, 2015. Collection method: clinical testing. Allele origin: germline.

Labcorp Genetics (formerly Invitae), Labcorp
Classification: Likely pathogenic. Last evaluated: 2023-09-08. Review status: criteria provided, single submitter. Criteria: Invitae Variant Classification Sherloc (09022015). Collection method: clinical testing. Allele origin: germline.
Comment: This variant has not been reported in the literature in individuals affected with SLC4A11-related conditions. This sequence change affects a donor splice site in intron 3 of the SLC4A11 gene. It is expected to disrupt RNA splicing. Variants that disrupt the donor or acceptor splice site typically lead to a loss of protein function (PMID: 16199547), and loss-of-function variants in SLC4A11 are known to be pathogenic (PMID: 17220209, 17679935). This variant is not present in population databases (gnomAD no frequency). ClinVar contains an entry for this variant (Variation ID: 1466008). In summary, the currently available evidence indicates that the variant is pathogenic, but additional data are needed to prove that conclusively. Therefore, this variant has been classified as Likely Pathogenic. Algorithms developed to predict the effect of sequence changes on RNA splicing suggest that this variant may disrupt the consensus splice site.

Literature cited by the submitters: PubMed 16199547 (cited by Labcorp Genetics (formerly Invitae), Labcorp); PubMed 17220209 (cited by Labcorp Genetics (formerly Invitae), Labcorp); PubMed 17679935 (cited by Labcorp Genetics (formerly Invitae), Labcorp).